The following is an entry in ClinVar:

ClinVar aggregate classification (germline): Uncertain significance. Review status: criteria provided, multiple submitters, no conflicts (2 of 4 stars). 2 submissions from 2 submitters: Uncertain significance (2). Last evaluated 2025-08-08.

Conditions:
Inborn genetic diseases. Identifiers: MedGen C0950123, MeSH D030342.

Allele frequency attached by ClinVar (database versions not stated): gnomAD exomes 0.00001 and 0.00005; TOPMed 0.00001; gnomAD 0.00002.
gnomAD v4.1: 72 of 1,614,084 alleles (0.0045%); highest among the groups gnomAD compares: Non-Finnish European, 0.0058%; no homozygotes.

Submissions (2):

Ambry Genetics
Classification: Uncertain significance for Inborn genetic diseases. Last evaluated: 2025-08-08. Review status: criteria provided, single submitter. Criteria: Ambry Variant Classification Scheme 2023. Collection method: clinical testing. Allele origin: germline.

Labcorp Genetics (formerly Invitae), Labcorp
Classification: Uncertain significance. Last evaluated: 2022-09-07. Review status: criteria provided, single submitter. Criteria: Invitae Variant Classification Sherloc (09022015). Collection method: clinical testing. Allele origin: germline.
Comment: This sequence change replaces proline, which is neutral and non-polar, with leucine, which is neutral and non-polar, at codon 81 of the MECR protein (p.Pro81Leu). This variant is present in population databases (no rsID available, gnomAD 0.003%). This variant has not been reported in the literature in individuals affected with MECR-related conditions. ClinVar contains an entry for this variant (Variation ID: 1352834). Algorithms developed to predict the effect of missense changes on protein structure and function (SIFT, PolyPhen-2, Align-GVGD) all suggest that this variant is likely to be disruptive. In summary, the available evidence is currently insufficient to determine the role of this variant in disease. Therefore, it has been classified as a Variant of Uncertain Significance.

NM_016011.5(MECR):c.242C>T (p.Pro81Leu)

Gene: MECR (mitochondrial trans-2-enoyl-CoA reductase; minus strand). Cytogenetic location: 1p35.3.
Variant type: single nucleotide variant.
Coding change: c.242C>T on transcript NM_016011.5 (MANE Select); coding-DNA position 242, C replaced by T.
Protein change: p.Pro81Leu; replaces proline 81 with leucine.
Molecular consequence: missense variant. On other transcripts: non-coding transcript variant (4).
Genome position (GRCh38, 1-based): chr1:29,216,620, G>A on the plus strand (C>T on the coding strand, the complement: MECR is on the minus strand). VCF-style: chr1-29216620-G-A. GRCh37 (hg19) VCF-style: chr1-29543132-G-A.
Other names: c.242C>T (NM_016011.2); c.14C>T, p.Pro5Leu (NM_001024732.4, NM_001349711.2, NM_001349712.2 and 2 more transcripts); c.347C>T, p.Pro116Leu (NM_001349715.2); c.326C>T, p.Pro109Leu (NM_001349716.2); c.92C>T, p.Pro31Leu (NM_001349717.2); short protein forms P81L, P109L, P116L, P5L, P31L.
Identifiers: ClinVar variation 1352834 (VCV001352834.5), dbSNP rs1373869193, ClinGen allele CA339548904.